The following is an entry in ClinVar:

NC_000009.12:g.35658039_35658059del

Gene: RMRP (RNA component of mitochondrial RNA processing endoribonuclease; minus strand). Cytogenetic location: 9p13.3.
Variant type: Deletion.
Genome position: GRCh38 VCF-style: chr9-35658036-GAGTAGTATTTTATAGCCCTAA-G. GRCh37 (hg19) VCF-style: chr9-35658033-GAGTAGTATTTTATAGCCCTAA-G.
Identifiers: ClinVar variation 2742382 (VCV002742382.3), dbSNP rs2490604441, ClinGen allele CA2697557723.

ClinVar aggregate classification (germline): Uncertain significance (1 of 4 stars; one submission).

Conditions:
Anauxetic dysplasia. Identifiers: Orphanet 93347, MedGen C1846796, MONDO:0011773.

Submission:

Labcorp Genetics (formerly Invitae), Labcorp
Classification: Uncertain significance for Anauxetic dysplasia. Last evaluated: 2023-08-03. Review status: criteria provided, single submitter. Criteria: Invitae Variant Classification Sherloc (09022015). Collection method: clinical testing. Allele origin: germline.
Comment: This variant occurs in the RMRP gene, which encodes an RNA molecule that does not result in a protein product. This variant is not present in population databases (gnomAD no frequency). This variant has not been reported in the literature in individuals affected with RMRP-related conditions. Experimental studies and prediction algorithms are not available or were not evaluated, and the functional significance of this variant is currently unknown. In summary, the available evidence is currently insufficient to determine the role of this variant in disease. Therefore, it has been classified as a Variant of Uncertain Significance.